The following is an entry in ClinVar:

NM_004813.4(PEX16):c.469C>A (p.His157Asn)

Gene: PEX16 (peroxisomal biogenesis factor 16; minus strand). Cytogenetic location: 11p11.2.
Variant type: single nucleotide variant.
Coding change: c.469C>A on transcript NM_004813.4 (MANE Select); coding-DNA position 469, C replaced by A.
Protein change: p.His157Asn; replaces histidine 157 with asparagine.
Molecular consequence: missense variant.
Genome position (GRCh38, 1-based): chr11:45,914,676, G>T on the plus strand (C>A on the coding strand, the complement: PEX16 is on the minus strand). VCF-style: chr11-45914676-G-T. GRCh37 (hg19) VCF-style: chr11-45936227-G-T.
Other names: c.469C>A, p.His157Asn (NM_057174.3); short protein forms H157N.
Identifiers: ClinVar variation 1471242 (VCV001471242.6), dbSNP rs2134693966, ClinGen allele CA380227484.
Genomic context (GRCh38, chr11:45,914,676, plus strand): 5'-TTCGCACCACCCGGTTTGACCGCTTCCCCACGTAGGACTGCTCATGGTTGCCAGGGCTGT[G>T]GTCACCATCTAGCAGGGATAGACAGAAGGCCATACAGTCAGAGGGACATGCTTCCAGCGG-3'
Protein context (NP_004804.2, residues 147-167): ETQAQPPDGD[His157Asn]SPGNHEQSYV

ClinVar aggregate classification (germline): Uncertain significance (1 of 4 stars; one submission).

Conditions:
Peroxisome biogenesis disorder. Identifiers: Orphanet 79189, MedGen C1832200, MONDO:0019234. Disease mechanism: loss of function.

Submission:

Labcorp Genetics (formerly Invitae), Labcorp
Classification: Uncertain significance for Peroxisome biogenesis disorder. Last evaluated: 2021-08-02. Review status: criteria provided, single submitter. Criteria: Invitae Variant Classification Sherloc (09022015). Collection method: clinical testing. Allele origin: germline.
Comment: This sequence change replaces histidine with asparagine at codon 157 of the PEX16 protein (p.His157Asn). The histidine residue is moderately conserved and there is a small physicochemical difference between histidine and asparagine. This variant is not present in population databases (ExAC no frequency). This variant has not been reported in the literature in individuals affected with PEX16-related conditions. Algorithms developed to predict the effect of missense changes on protein structure and function (SIFT, PolyPhen-2, Align-GVGD) all suggest that this variant is likely to be tolerated. In summary, the available evidence is currently insufficient to determine the role of this variant in disease. Therefore, it has been classified as a Variant of Uncertain Significance.